The following is an entry in ClinVar:

NM_001017420.3(ESCO2):c.239C>T (p.Ala80Val)

Gene: ESCO2 (establishment of sister chromatid cohesion N-acetyltransferase 2; plus strand). Cytogenetic location: 8p21.1.
Variant type: single nucleotide variant.
Coding change: c.239C>T on transcript NM_001017420.3 (MANE Select); coding-DNA position 239, C replaced by T.
Protein change: p.Ala80Val; replaces alanine 80 with valine.
Molecular consequence: missense variant.
Genome position (GRCh38, 1-based): chr8:27,776,547, C>T. VCF-style: chr8-27776547-C-T. GRCh37 (hg19) VCF-style: chr8-27634064-C-T.
Other names: short protein forms A80V.
Identifiers: ClinVar variation 21240 (VCV000021240.25), dbSNP rs4732748, ClinGen allele CA172159.

ClinVar aggregate classification (germline): Benign. Review status: criteria provided, multiple submitters, no conflicts (2 of 4 stars). 11 submissions from 10 submitters: Benign (9). 2 of the submissions do not count toward it. Last evaluated 2026-02-04.

Conditions:
Juberg-Hayward syndrome (JHS). Also called: Cleft lip/palate with abnormal thumbs and microcephaly; OROCRANIODIGITAL SYNDROME. Identifiers: Orphanet 2319, MedGen C0796099, MONDO:0008992, OMIM 216100.
Roberts-SC phocomelia syndrome (RBS). Also called: Pseudothalidomide syndrome; Appelt-Gerken-Lenz syndrome; LONG BONE DEFICIENCIES ASSOCIATED WITH CLEFT LIP-PALATE; Hypomelia hypotrichosis facial hemangioma syndrome; ESCO2 Spectrum Disorder. Identifiers: Orphanet 3103, MedGen C0392475, MONDO:0100253, OMIM 268300.

Allele frequency attached by ClinVar (database versions not stated): gnomAD 0.10090 and 0.10520; TOPMed 0.10505; gnomAD exomes 0.11453 and 0.10068; ExAC 0.11484; 1000 Genomes Project 30x 0.13601; 1000 Genomes Project 0.13938; ESP Exome Variant Server 0.09872.
gnomAD v4.1: 164,268 of 1,613,932 alleles (10%); highest among the groups gnomAD compares: East Asian, 22%; 9,316 homozygotes.

Submissions (11):

Labcorp Genetics (formerly Invitae), Labcorp
Classification: Benign. Last evaluated: 2026-02-04. Review status: criteria provided, single submitter. Criteria: Invitae Variant Classification Sherloc (09022015). Collection method: clinical testing. Allele origin: germline.

Blueprint Genetics
Classification: Benign. Last evaluated: 2024-11-27. Review status: criteria provided, single submitter. Criteria: ACMG Guidelines, 2015. Collection method: clinical testing. Allele origin: germline.

Genome-Nilou Lab
Classification: Benign for Juberg-Hayward syndrome. Last evaluated: 2021-07-10. Review status: criteria provided, single submitter. Criteria: ACMG Guidelines, 2015. Collection method: clinical testing. Allele origin: germline. Affected: no.

Genome-Nilou Lab
Classification: Benign for Roberts-SC phocomelia syndrome. Last evaluated: 2021-07-10. Review status: criteria provided, single submitter. Criteria: ACMG Guidelines, 2015. Collection method: clinical testing. Allele origin: germline. Affected: no.

Illumina Laboratory Services, Illumina
Classification: Benign for Roberts-SC phocomelia syndrome. Last evaluated: 2018-01-12. Review status: criteria provided, single submitter. Criteria: ICSL Variant Classification Criteria 13 December 2019. Collection method: clinical testing. Allele origin: germline.
Comment: This variant was observed in the ICSL laboratory as part of a predisposition screen in an ostensibly healthy population. It had not been previously curated by ICSL or reported in the Human Gene Mutation Database (HGMD: prior to June 1st, 2018), and was therefore a candidate for classification through an automated scoring system. Utilizing variant allele frequency, disease prevalence and penetrance estimates, and inheritance mode, an automated score was calculated to assess if this variant is too frequent to cause the disease. Based on the score and internal cut-off values, a variant classified as benign is not then subjected to further curation. The score for this variant resulted in a classification of benign for this disease.

GeneDx
Classification: Benign. Last evaluated: 2017-11-14. Review status: criteria provided, single submitter. Criteria: GeneDx Variant Classification (06012015). Collection method: clinical testing. Allele origin: germline. Affected: yes.
Comment: This variant is considered likely benign or benign based on one or more of the following criteria: it is a conservative change, it occurs at a poorly conserved position in the protein, it is predicted to be benign by multiple in silico algorithms, and/or has population frequency not consistent with disease.

Genetic Services Laboratory, University of Chicago
Classification: Benign. Last evaluated: 2013-02-08. Review status: criteria provided, single submitter. Criteria: ACMG Guidelines, 2007. Collection method: clinical testing. Allele origin: germline. Inheritance: Autosomal recessive inheritance.

Breakthrough Genomics
Classification: Benign. Review status: criteria provided, single submitter. Criteria: ACMG Guidelines, 2015. Collection method: not provided. Allele origin: germline. Inheritance: Autosomal recessive inheritance. Affected: yes.

PreventionGenetics, part of Exact Sciences
Classification: Benign. Review status: criteria provided, single submitter. Criteria: ACMG Guidelines, 2015. Collection method: clinical testing. Allele origin: germline.

Natera, Inc.
Classification: Benign for Roberts syndrome. Last evaluated: 2020-09-16. Review status: no assertion criteria provided. Collection method: clinical testing. Allele origin: germline. Not counted in ClinVar's aggregate classification.

GeneReviews
No classification provided. Condition: Roberts-SC phocomelia syndrome. Review status: no classification provided. Collection method: literature only. Allele origin: unknown. Not counted in ClinVar's aggregate classification.

Literature cited by the submitters: PubMed 20301332 (cited by GeneReviews); NCBI Bookshelf NBK1153 (cited by GeneReviews).